The following is an entry in ClinVar:

ClinVar aggregate classification (germline): Uncertain significance (1 of 4 stars; one submission).

Conditions:
PLXNA1-related disorder. Also called: PLXNA1-related condition.

gnomAD v4.1: 8 of 1,612,992 alleles (0.0005%); highest among the groups gnomAD compares: African/African-American, 0.0067%; no homozygotes.

Submission:

PreventionGenetics, part of Exact Sciences
Classification: Uncertain significance for PLXNA1-related condition. Last evaluated: 2025-11-11. Review status: criteria provided, single submitter. Criteria: ACMG Guidelines, 2015. Collection method: clinical testing. Allele origin: germline.
Comment: The PLXNA1 c.2704G>C variant is predicted to result in the amino acid substitution p.Val902Leu. To our knowledge, this variant has not been reported in the literature. This variant is reported in 0.031% of alleles in individuals of African descent in gnomAD. At this time, the clinical significance of this variant is uncertain due to the absence of conclusive functional and genetic evidence.

NM_032242.4(PLXNA1):c.2704G>C (p.Val902Leu)

Gene: PLXNA1 (plexin A1; plus strand). Cytogenetic location: 3q21.3.
Variant type: single nucleotide variant.
Coding change: c.2704G>C on transcript NM_032242.4 (MANE Select); coding-DNA position 2704, G replaced by C.
Protein change: p.Val902Leu; replaces valine 902 with leucine.
Molecular consequence: missense variant.
Genome position (GRCh38, 1-based): chr3:127,014,577, G>C. VCF-style: chr3-127014577-G-C. GRCh37 (hg19) VCF-style: chr3-126733420-G-C.
Other names: short protein forms V902L.
Identifiers: ClinVar variation 4985774 (VCV004985774.1).